The following is an entry in ClinVar:

ClinVar aggregate classification (germline): Benign (1 of 4 stars; one submission).

Conditions:
Hypomaturation-hypoplastic amelogenesis imperfecta with taurodontism. Also called: Amelogenesis imperfecta, type IV. Identifiers: Orphanet 100034, Orphanet 88661, MedGen C1863012, MONDO:0007093, OMIM 104510. Disease mechanism: loss of function.

Allele frequency attached by ClinVar (database versions not stated): 1000 Genomes Project 0.00319; gnomAD 0.00356 and 0.00384; TOPMed 0.00383; 1000 Genomes Project 30x 0.00437.

Submission:

Illumina Laboratory Services, Illumina
Classification: Benign for Hypomaturation-hypoplastic amelogenesis imperfecta with taurodontism. Last evaluated: 2018-01-13. Review status: criteria provided, single submitter. Criteria: ICSL Variant Classification Criteria 13 December 2019. Collection method: clinical testing. Allele origin: germline.
Comment: This variant was observed in the ICSL laboratory as part of a predisposition screen in an ostensibly healthy population. It had not been previously curated by ICSL or reported in the Human Gene Mutation Database (HGMD: prior to June 1st, 2018), and was therefore a candidate for classification through an automated scoring system. Utilizing variant allele frequency, disease prevalence and penetrance estimates, and inheritance mode, an automated score was calculated to assess if this variant is too frequent to cause the disease. Based on the score and internal cut-off values, a variant classified as benign is not then subjected to further curation. The score for this variant resulted in a classification of benign for this disease.

NM_005220.3(DLX3):c.*986C>T

Gene: DLX3 (distal-less homeobox 3; minus strand). Cytogenetic location: 17q21.33.
Variant type: single nucleotide variant.
Coding change: c.*986C>T on transcript NM_005220.3 (MANE Select); 986 bases downstream of the stop codon, C replaced by T.
Molecular consequence: 3 prime UTR variant.
Genome position (GRCh38, 1-based): chr17:49,990,531, G>A on the plus strand (C>T on the coding strand, the complement: DLX3 is on the minus strand). VCF-style: chr17-49990531-G-A. GRCh37 (hg19) VCF-style: chr17-48067895-G-A.
Identifiers: ClinVar variation 888908 (VCV000888908.4), dbSNP rs113406148, ClinGen allele CA291504928.